The following is an entry in ClinVar:

ClinVar aggregate classification (germline): Uncertain significance. Review status: criteria provided, multiple submitters, no conflicts (2 of 4 stars). 3 submissions from 3 submitters: Uncertain significance (3). Last evaluated 2025-08-09.

Conditions:
Inborn genetic diseases. Identifiers: MedGen C0950123, MeSH D030342.
Joubert syndrome 25 (JBTS25). Identifiers: Orphanet 475, MedGen C4084842, MONDO:0014770, OMIM 616781.

Allele frequency attached by ClinVar (database versions not stated): gnomAD 0.00005; ExAC 0.00006; ESP Exome Variant Server 0.00008; TOPMed 0.00010.
gnomAD v4.1: 123 of 1,613,972 alleles (0.0076%); highest among the groups gnomAD compares: Non-Finnish European, 0.009%; no homozygotes.

Submissions (3):

Ambry Genetics
Classification: Uncertain significance for Inborn genetic diseases. Last evaluated: 2025-08-09. Review status: criteria provided, single submitter. Criteria: Ambry Variant Classification Scheme 2023. Collection method: clinical testing. Allele origin: germline.

Blueprint Genetics
Classification: Uncertain significance. Last evaluated: 2024-06-13. Review status: criteria provided, single submitter. Criteria: ACMG Guidelines, 2015. Collection method: clinical testing. Allele origin: germline.

Labcorp Genetics (formerly Invitae), Labcorp
Classification: Uncertain significance for Joubert syndrome 25. Last evaluated: 2022-08-06. Review status: criteria provided, single submitter. Criteria: Invitae Variant Classification Sherloc (09022015). Collection method: clinical testing. Allele origin: germline.
Comment: In summary, the available evidence is currently insufficient to determine the role of this variant in disease. Therefore, it has been classified as a Variant of Uncertain Significance. Algorithms developed to predict the effect of missense changes on protein structure and function are either unavailable or do not agree on the potential impact of this missense change (SIFT: "Tolerated"; PolyPhen-2: "Possibly Damaging"; Align-GVGD: "Class C0"). This variant has not been reported in the literature in individuals affected with CEP104-related conditions. This variant is present in population databases (rs372416064, gnomAD 0.02%). This sequence change replaces arginine, which is basic and polar, with glutamine, which is neutral and polar, at codon 22 of the CEP104 protein (p.Arg22Gln).

NM_014704.4(CEP104):c.65G>A (p.Arg22Gln)

Gene: CEP104 (centrosomal protein 104; minus strand). Cytogenetic location: 1p36.32.
Variant type: single nucleotide variant.
Coding change: c.65G>A on transcript NM_014704.4 (MANE Select); coding-DNA position 65, G replaced by A.
Protein change: p.Arg22Gln; replaces arginine 22 with glutamine.
Molecular consequence: missense variant.
Genome position (GRCh38, 1-based): chr1:3,852,343, C>T on the plus strand (G>A on the coding strand, the complement: CEP104 is on the minus strand). VCF-style: chr1-3852343-C-T. GRCh37 (hg19) VCF-style: chr1-3768907-C-T.
Other names: c.65G>A (NM_014704.3); short protein forms R22Q.
Identifiers: ClinVar variation 2058438 (VCV002058438.7), dbSNP rs372416064, ClinGen allele CA552077.